The following is an entry in ClinVar:

ClinVar aggregate classification (germline): Conflicting classifications of pathogenicity. Review status: criteria provided, conflicting classifications (1 of 4 stars). 2 submissions from 2 submitters: Likely pathogenic (1); Uncertain significance (1). Last evaluated 2023-07-10.

Conditions:
Familial thoracic aortic aneurysm and aortic dissection (TAAD). Also called: Thoracic aortic aneurysms and dissections. Identifiers: Orphanet 91387, MedGen C4707243, MONDO:0019625.

Submissions (2):

Labcorp Genetics (formerly Invitae), Labcorp
Classification: Uncertain significance for Familial thoracic aortic aneurysm and aortic dissection. Last evaluated: 2023-07-10. Review status: criteria provided, single submitter. Criteria: Invitae Variant Classification Sherloc (09022015). Collection method: clinical testing. Allele origin: germline.
Comment: This missense change has been observed in individual(s) with clinical features of SMAD3-related conditions (PMID: 29392890; Invitae). In summary, the available evidence is currently insufficient to determine the role of this variant in disease. Therefore, it has been classified as a Variant of Uncertain Significance. Experimental studies have shown that this missense change affects SMAD3 function (PMID: 21949838, 27457343). Advanced modeling performed at Invitae incorporating data from internal and/or published experimental studies (Invitae) indicates that this missense variant is expected to disrupt SMAD3 function. ClinVar contains an entry for this variant (Variation ID: 213776). This variant is not present in population databases (gnomAD no frequency). This sequence change replaces aspartic acid, which is acidic and polar, with histidine, which is basic and polar, at codon 408 of the SMAD3 protein (p.Asp408His).

GeneDx
Classification: Likely pathogenic. Last evaluated: 2020-07-29. Review status: criteria provided, single submitter. Criteria: GeneDx Variant Classification Process June 2021. Collection method: clinical testing. Allele origin: germline. Affected: yes.
Comment: Reported as likely pathogenic in an individual with Loeys-Dietz syndrome (LDS) (Schepers et al., 2018); Not observed in large population cohorts (Lek et al., 2016); Located in MH2 domain, which is phosphorylated and binds different Smad-interacting partners (Schiro et al., 2011); Published functional studies demonstrate disruption of normal binding interactions and SMAD3 signaling (Schiro et al., 2011); In silico analysis, which includes protein predictors and evolutionary conservation, supports a deleterious effect; This variant is associated with the following publications: (PMID: 21949838, 24002653, 29392890)

Literature cited by the submitters: PubMed 29392890 (cited by Labcorp Genetics (formerly Invitae), Labcorp); PubMed 21949838 (cited by Labcorp Genetics (formerly Invitae), Labcorp); PubMed 27457343 (cited by Labcorp Genetics (formerly Invitae), Labcorp).

NM_005902.4(SMAD3):c.1222G>C (p.Asp408His)

Gene: SMAD3 (SMAD family member 3; plus strand). Cytogenetic location: 15q22.33.
Variant type: single nucleotide variant.
Coding change: c.1222G>C on transcript NM_005902.4 (MANE Select); coding-DNA position 1222, G replaced by C.
Protein change: p.Asp408His; replaces aspartic acid 408 with histidine.
Molecular consequence: missense variant.
Genome position (GRCh38, 1-based): chr15:67,190,480, G>C. VCF-style: chr15-67190480-G-C. GRCh37 (hg19) VCF-style: chr15-67482818-G-C.
Other names: p.D408H:GAC>CAC; c.907G>C, p.Asp303His (NM_001145102.2); c.1090G>C, p.Asp364His (NM_001145103.2); c.637G>C, p.Asp213His (NM_001145104.2); short protein forms D408H, D303H, D213H, D364H.
Identifiers: ClinVar variation 213776 (VCV000213776.6), dbSNP rs201263330, ClinGen allele CA322624.